The following is an entry in ClinVar:

ClinVar aggregate classification (germline): Benign (0 of 4 stars; one submission).

Conditions:
ATP11C-related disorder. Also called: ATP11C-related condition.

Allele frequency attached by ClinVar (database versions not stated): 1000 Genomes Project 30x 0.02352; 1000 Genomes Project 0.02490; TOPMed 0.03911; ESP Exome Variant Server 0.04166; gnomAD 0.04414; ExAC 0.05830; gnomAD exomes 0.06013.
gnomAD v4.1: 68,896 of 1,184,740 alleles (5.8%); highest among the groups gnomAD compares: Admixed American, 7.3%; 1,740 homozygotes.

Submission:

PreventionGenetics, part of Exact Sciences
Classification: Benign for ATP11C-related condition. Last evaluated: 2019-06-12. Review status: no assertion criteria provided. Collection method: clinical testing. Allele origin: germline.
Comment: This variant is classified as benign based on ACMG/AMP sequence variant interpretation guidelines (Richards et al. 2015 PMID: 25741868, with internal and published modifications).

NM_001353812.2(ATP11C):c.775+3G>A

Gene: ATP11C (ATPase phospholipid transporting 11C (ATP11C blood group); minus strand). Cytogenetic location: Xq27.1.
Variant type: single nucleotide variant.
Coding change: c.775+3G>A on transcript NM_001353812.2 (MANE Select); 3 bases into the intron after coding-DNA position 775, G replaced by A.
Molecular consequence: intron variant.
Genome position (GRCh38, 1-based): chrX:139,798,676, C>T on the plus strand (G>A on the coding strand, the complement: ATP11C is on the minus strand). VCF-style: chrX-139798676-C-T. GRCh37 (hg19) VCF-style: chrX-138880835-C-T.
Other names: c.775+3G>A (NM_001353810.2, NM_001353811.2); c.784+3G>A (NM_001010986.3, NM_173694.5).
Identifiers: ClinVar variation 3059191 (VCV003059191.2), dbSNP rs45465799, ClinGen allele CA10531111.